The following is an entry in ClinVar:

NM_000051.4(ATM):c.5748G>A (p.Met1916Ile)

Gene: ATM (ATM serine/threonine kinase; plus strand). Cytogenetic location: 11q22.3.
Variant type: single nucleotide variant.
Coding change: c.5748G>A on transcript NM_000051.4 (MANE Select); coding-DNA position 5748, G replaced by A.
Protein change: p.Met1916Ile; replaces methionine 1916 with isoleucine.
Molecular consequence: missense variant.
Genome position (GRCh38, 1-based): chr11:108,307,970, G>A. VCF-style: chr11-108307970-G-A. GRCh37 (hg19) VCF-style: chr11-108178697-G-A.
Other names: c.5748G>A, p.Met1916Ile (NM_001351834.2); short protein forms M1916I.
Identifiers: ClinVar variation 946015 (VCV000946015.9), dbSNP rs2083822362, ClinGen allele CA382547995.

ClinVar aggregate classification (germline): Uncertain significance (1 of 4 stars; one submission).

Conditions:
Ataxia-telangiectasia syndrome (AT). Also called: Ataxia-telangiectasia, complementation group E; Ataxia telangiectasia (A-T); LOUIS-BAR SYNDROME; ATAXIA-TELANGIECTASIA, FRESNO VARIANT; AT, COMPLEMENTATION GROUP C; Ataxia-telangiectasia. Identifiers: Orphanet 100, MedGen C0004135, MONDO:0008840, OMIM 208900.

Submission:

Labcorp Genetics (formerly Invitae), Labcorp
Classification: Uncertain significance for Ataxia-telangiectasia syndrome. Last evaluated: 2023-07-10. Review status: criteria provided, single submitter. Criteria: Invitae Variant Classification Sherloc (09022015). Collection method: clinical testing. Allele origin: germline.
Comment: In summary, the available evidence is currently insufficient to determine the role of this variant in disease. Therefore, it has been classified as a Variant of Uncertain Significance. An algorithm developed to predict the effect of missense changes on protein structure and function (PolyPhen-2) suggests that this variant is likely to be tolerated. ClinVar contains an entry for this variant (Variation ID: 946015). This variant has not been reported in the literature in individuals affected with ATM-related conditions. This variant is not present in population databases (gnomAD no frequency). This sequence change replaces methionine, which is neutral and non-polar, with isoleucine, which is neutral and non-polar, at codon 1916 of the ATM protein (p.Met1916Ile).